The following is an entry in ClinVar:

ClinVar aggregate classification (germline): Uncertain significance (1 of 4 stars; one submission).

Conditions:
GLUT1 deficiency syndrome 1, autosomal recessive. Identifiers: MedGen C3149117.

Submission:

Labcorp Genetics (formerly Invitae), Labcorp
Classification: Uncertain significance for GLUT1 deficiency syndrome 1, autosomal recessive. Last evaluated: 2017-08-15. Review status: criteria provided, single submitter. Criteria: Invitae Variant Classification Sherloc (09022015). Collection method: clinical testing. Allele origin: germline.
Comment: This sequence change falls in intron 7 of the SLC2A1 gene. It does not directly change the encoded amino acid sequence of the SLC2A1 protein, but it affects a nucleotide within the consensus splice site of the intron. This variant is not present in population databases (ExAC no frequency). This variant has not been reported in the literature in individuals with SLC2A1-related disease. Nucleotide substitutions within the consensus splice site are a relatively common cause of aberrant splicing (PMID: 17576681, 9536098). Algorithms developed to predict the effect of sequence changes on RNA splicing suggest that this variant may disrupt the consensus splice site, but this prediction has not been confirmed by published transcriptional studies. In summary, the available evidence is currently insufficient to determine the role of this variant in disease. Therefore, it has been classified as a Variant of Uncertain Significance.

NM_006516.4(SLC2A1):c.972+4_972+5del

Gene: SLC2A1 (solute carrier family 2 member 1; minus strand). Cytogenetic location: 1p34.2.
Variant type: Deletion.
Coding change: c.972+4_972+5del on transcript NM_006516.4 (MANE Select); bases 4 to 5 of the intron after coding-DNA position 972, 2 bases deleted (AG; older notation c.972+4_972+5delAG).
Molecular consequence: intron variant.
Genome position (GRCh38, 1-based): chr1:42,929,205-42,929,206, CT deleted on the plus strand (AG on the coding strand, the reverse complement: SLC2A1 is on the minus strand); deleting any 2 consecutive bases within chr1:42,929,205-42,929,207 gives the same sequence; the c. name uses the placement nearest the transcript's 3' end. VCF-style (leftmost placement, unchanged base first): chr1-42929204-ACT-A. GRCh37 (hg19) VCF-style: chr1-43394875-ACT-A.
Other names: c.972+4_972+5delAG (NM_006516.2).
Identifiers: ClinVar variation 538672 (VCV000538672.1), dbSNP rs1553155999, ClinGen allele CA658795441.